The following is an entry in ClinVar:

ClinVar aggregate classification (germline): Uncertain significance. Review status: criteria provided, multiple submitters, no conflicts (2 of 4 stars). 3 submissions from 3 submitters: Uncertain significance (3). Last evaluated 2023-05-23.

Conditions:
Connective tissue disorder. Also called: Connective tissue disease. Identifiers: MedGen C0009782, MONDO:0003900.
Inborn genetic diseases. Identifiers: MedGen C0950123, MeSH D030342.

Allele frequency attached by ClinVar (database versions not stated): gnomAD 0.00006; TOPMed 0.00009; gnomAD exomes 0.00006; ExAC 0.00007.
gnomAD v4.1: 215 of 1,605,358 alleles (0.013%); highest among the groups gnomAD compares: Non-Finnish European, 0.017%; no homozygotes.

Submissions (3):

Ambry Genetics
Classification: Uncertain significance for Inborn genetic diseases. Last evaluated: 2023-05-23. Review status: criteria provided, single submitter. Criteria: Ambry Variant Classification Scheme 2023. Collection method: clinical testing. Allele origin: germline.

Labcorp Genetics (formerly Invitae), Labcorp
Classification: Uncertain significance. Last evaluated: 2022-07-19. Review status: criteria provided, single submitter. Criteria: Invitae Variant Classification Sherloc (09022015). Collection method: clinical testing. Allele origin: germline.
Comment: This sequence change replaces serine, which is neutral and polar, with arginine, which is basic and polar, at codon 87 of the NKX3-2 protein (p.Ser87Arg). This variant is present in population databases (rs756642619, gnomAD 0.01%). This variant has not been reported in the literature in individuals affected with NKX3-2-related conditions. ClinVar contains an entry for this variant (Variation ID: 1524780). Algorithms developed to predict the effect of missense changes on protein structure and function (SIFT, PolyPhen-2, Align-GVGD) all suggest that this variant is likely to be tolerated. In summary, the available evidence is currently insufficient to determine the role of this variant in disease. Therefore, it has been classified as a Variant of Uncertain Significance.

Genome Diagnostics Laboratory, The Hospital for Sick Children
Classification: Uncertain significance for Connective tissue disorder. Last evaluated: 2020-09-17. Review status: criteria provided, single submitter. Criteria: ACMG Guidelines, 2015. Collection method: clinical testing. Allele origin: germline.

NM_001189.4(NKX3-2):c.261C>G (p.Ser87Arg)

Gene: NKX3-2 (NK3 homeobox 2; minus strand). Cytogenetic location: 4p15.33.
Variant type: single nucleotide variant.
Coding change: c.261C>G on transcript NM_001189.4 (MANE Select); coding-DNA position 261, C replaced by G.
Protein change: p.Ser87Arg; replaces serine 87 with arginine.
Molecular consequence: missense variant.
Genome position (GRCh38, 1-based): chr4:13,544,154, G>C on the plus strand (C>G on the coding strand, the complement: NKX3-2 is on the minus strand). VCF-style: chr4-13544154-G-C. GRCh37 (hg19) VCF-style: chr4-13545778-G-C.
Other names: short protein forms S87R.
Identifiers: ClinVar variation 1524780 (VCV001524780.9), dbSNP rs756642619, ClinGen allele CA2860446.